The following is an entry in ClinVar:

ClinVar aggregate classification (germline): Likely benign (1 of 4 stars; one submission).

Conditions:
RP1L1-related disorder. Also called: RP1L1-related condition.

gnomAD v4.1: 2 of 1,614,242 alleles (0.00012%); highest among the groups gnomAD compares: Non-Finnish European, 0.00017%; no homozygotes.

Submission:

PreventionGenetics, part of Exact Sciences
Classification: Likely benign for RP1L1-related condition. Last evaluated: 2026-08-10. Review status: criteria provided, single submitter. Criteria: ACMG Guidelines, 2015. Collection method: clinical testing. Allele origin: germline.
Comment: This variant is classified as likely benign based on ACMG/AMP sequence variant interpretation guidelines (Richards et al. 2015 PMID: 25741868, with internal and published modifications).

NM_178857.6(RP1L1):c.5400G>A (p.Arg1800=)

Gene: RP1L1 (RP1 like 1). Cytogenetic location: 8p23.1.
Variant type: single nucleotide variant.
Coding change: c.5400G>A on transcript NM_178857.6 (MANE Select); coding-DNA position 5400, G replaced by A.
Protein change: p.Arg1800=; no amino-acid change (arginine 1800 retained).
Molecular consequence: synonymous variant.
Genome position (GRCh38, 1-based): chr8:10,608,698, C>T on the plus strand (G>A on the coding strand, the complement: RP1L1 is on the minus strand). VCF-style: chr8-10608698-C-T. GRCh37 (hg19) VCF-style: chr8-10466208-C-T.
Identifiers: ClinVar variation 4978089 (VCV004978089.1).